The following is an entry in ClinVar:

ClinVar aggregate classification (germline): Benign/Likely benign. Review status: criteria provided, multiple submitters, no conflicts (2 of 4 stars). 2 submissions from 2 submitters: Benign (1); Likely benign (1). Last evaluated 2024-03-26.

Conditions:
Familial adenomatous polyposis 1 (FAP1). Also called: POLYPOSIS, ADENOMATOUS INTESTINAL; FAMILIAL ADENOMATOUS POLYPOSIS 1, ATTENUATED. Identifiers: MedGen C2713442, MONDO:0021056, OMIM 175100. Disease mechanism: loss of function.

Submissions (2):

Myriad Genetics, Inc.
Classification: Benign for Familial adenomatous polyposis 1. Last evaluated: 2024-03-26. Review status: criteria provided, single submitter. Criteria: Myriad Autosomal Dominant, Autosomal Recessive and X-Linked Classification Criteria (2023). Collection method: clinical testing. Allele origin: unknown.
Comment: This variant is considered benign. This variant is a silent/synonymous amino acid change and it is not expected to impact splicing.

Labcorp Genetics (formerly Invitae), Labcorp
Classification: Likely benign for Familial adenomatous polyposis 1. Last evaluated: 2022-08-05. Review status: criteria provided, single submitter. Criteria: Invitae Variant Classification Sherloc (09022015). Collection method: clinical testing. Allele origin: germline.

NM_000038.6(APC):c.4392G>A (p.Glu1464=)

Gene: APC (APC regulator of Wnt signaling pathway; plus strand). Cytogenetic location: 5q22.2.
Variant type: single nucleotide variant.
Coding change: c.4392G>A on transcript NM_000038.6 (MANE Select); coding-DNA position 4392, G replaced by A.
Protein change: p.Glu1464=; no amino-acid change (glutamic acid 1464 retained).
Molecular consequence: synonymous variant.
Genome position (GRCh38, 1-based): chr5:112,839,986, G>A. VCF-style: chr5-112839986-G-A. GRCh37 (hg19) VCF-style: chr5-112175683-G-A.
Other names: c.3543G>A, p.Glu1181= (NM_001354906.2); c.4392G>A, p.Glu1464= (NM_001127510.3, NM_001354895.2); c.4338G>A, p.Glu1446= (NM_001127511.3); c.4446G>A, p.Glu1482= (NM_001354896.2); c.4422G>A, p.Glu1474= (NM_001354897.2); c.4317G>A, p.Glu1439= (NM_001354898.2); c.4308G>A, p.Glu1436= (NM_001354899.2); c.4269G>A, p.Glu1423= (NM_001354900.2); and 5 more.
Identifiers: ClinVar variation 758323 (VCV000758323.11), dbSNP rs1561592147, ClinGen allele CA445964542.